The following is an entry in ClinVar:

NM_000208.4(INSR):c.39G>C (p.Pro13=)

Gene: INSR (insulin receptor; minus strand). Cytogenetic location: 19p13.2.
Variant type: single nucleotide variant.
Coding change: c.39G>C on transcript NM_000208.4 (MANE Select); coding-DNA position 39, G replaced by C.
Protein change: p.Pro13=; no amino-acid change (proline 13 retained).
Molecular consequence: synonymous variant.
Genome position (GRCh38, 1-based): chr19:7,293,853, C>G on the plus strand (G>C on the coding strand, the complement: INSR is on the minus strand). VCF-style: chr19-7293853-C-G. GRCh37 (hg19) VCF-style: chr19-7293864-C-G.
Other names: c.39G>C, p.Pro13= (NM_001079817.3); c.39G>C (NM_000208.3).
Identifiers: ClinVar variation 330480 (VCV000330480.35), dbSNP rs771984795, ClinGen allele CA9136192.

ClinVar aggregate classification (germline): Conflicting classifications of pathogenicity. Review status: criteria provided, conflicting classifications (1 of 4 stars). 7 submissions from 5 submitters: Uncertain significance (4); Likely benign (2). 1 of the submissions does not count toward it. Last evaluated 2026-07-01.

Conditions:
Rabson-Mendenhall syndrome. Also called: Pineal hyperplasia AND diabetes mellitus syndrome; MENDENHALL SYNDROME; Pineal Hyperplasia, Insulin-Resistant Diabetes Mellitus, and Somatic Abnormalities. Identifiers: Orphanet 769, MedGen C0271695, MONDO:0009874, OMIM 262190.
Hyperinsulinism due to INSR deficiency. Also called: Hyperinsulinism due to glutamodehydrogenase deficiency. Identifiers: Orphanet 263458, MedGen C1864952, MONDO:0012381, OMIM 609968.
INSR-related disorder.
Insulin-resistant diabetes mellitus AND acanthosis nigricans. Also called: type A insulin resistance; INSULIN RECEPTOR, DEFECT IN, WITH INSULIN-RESISTANT DIABETES MELLITUS AND ACANTHOSIS NIGRICANS; IRAN, TYPE A; Insulin-resistance syndrome type A; DIABETES MELLITUS, INSULIN-RESISTANT, WITH ACANTHOSIS NIGRICANS, TYPE A. Identifiers: Orphanet 2297, MedGen C0342278, MONDO:0012520, OMIM 610549.
Leprechaunism syndrome. Also called: Donohue syndrome; LEPRECHAUNISM. Identifiers: Orphanet 508, MedGen C0265344, MONDO:0009517, OMIM 246200.

Allele frequency attached by ClinVar (database versions not stated): gnomAD 0.00028 and 0.00029; TOPMed 0.00030; ExAC 0.00067; gnomAD exomes 0.00085.
gnomAD v4.1: 725 of 1,254,156 alleles (0.058%); highest among the groups gnomAD compares: Non-Finnish European, 0.069%; no homozygotes.

Submissions (7):

CeGaT Center for Human Genetics Tuebingen
Classification: Likely benign. Last evaluated: 2026-07-01. Review status: criteria provided, single submitter. Criteria: CeGaT Center For Human Genetics Tuebingen Variant Classification Criteria Version 2. Collection method: clinical testing. Allele origin: germline. Affected: yes. Observed: 2 variant alleles.
Comment: INSR: BP4, BP7

Labcorp Genetics (formerly Invitae), Labcorp
Classification: Likely benign. Last evaluated: 2026-01-17. Review status: criteria provided, single submitter. Criteria: Invitae Variant Classification Sherloc (09022015). Collection method: clinical testing. Allele origin: germline.

Illumina Laboratory Services, Illumina
Classification: Uncertain significance for Leprechaunism syndrome. Last evaluated: 2018-01-13. Review status: criteria provided, single submitter. Criteria: ICSL Variant Classification Criteria 13 December 2019. Collection method: clinical testing. Allele origin: germline.

Illumina Laboratory Services, Illumina
Classification: Uncertain significance for Insulin-resistant diabetes mellitus AND acanthosis nigricans. Last evaluated: 2018-01-13. Review status: criteria provided, single submitter. Criteria: ICSL Variant Classification Criteria 13 December 2019. Collection method: clinical testing. Allele origin: germline.

Illumina Laboratory Services, Illumina
Classification: Uncertain significance for Rabson-Mendenhall syndrome. Last evaluated: 2018-01-13. Review status: criteria provided, single submitter. Criteria: ICSL Variant Classification Criteria 13 December 2019. Collection method: clinical testing. Allele origin: germline.

Clinical Genomics, Uppaluri K&H Personalized Medicine Clinic
Classification: Uncertain significance for Hyperinsulinism due to INSR deficiency. Review status: criteria provided, single submitter. Criteria: K And H Uppaluri Personalized Medicine Clinic Variant Classification And Assertion Criteria Updated V 2. Collection method: research. Allele origin: unknown. Inheritance: Autosomal dominant inheritance.
Comment: Potent mutations in INSRgene can lead to insulin resistance, which presents as impaired glucose tolerance, early onset type 2 diabetes, post prandial hyperglycemia and increased insulin requirement in type 1 diabetes. Potent mutations in the gene can also predispose to coronary artery disease, metabolic syndrome, polycystic ovarian disease and non alcoholic fatty liver disease.However, the role of this particular variant rs771984795 with early onset diabetes mellitus is yet to be ascertained.

PreventionGenetics, part of Exact Sciences
Classification: Likely benign for INSR-related condition. Last evaluated: 2021-07-01. Review status: no assertion criteria provided. Collection method: clinical testing. Allele origin: germline. Not counted in ClinVar's aggregate classification.
Comment: This variant is classified as likely benign based on ACMG/AMP sequence variant interpretation guidelines (Richards et al. 2015 PMID: 25741868, with internal and published modifications).

Literature cited by the submitters: PubMed 35000900 (cited by Clinical Genomics, Uppaluri K&H Personalized Medicine Clinic); PubMed 31989990 (cited by Clinical Genomics, Uppaluri K&H Personalized Medicine Clinic); PubMed 23705494 (cited by Clinical Genomics, Uppaluri K&H Personalized Medicine Clinic).